The following is an entry in ClinVar:

NM_138370.3(PKDCC):c.542A>T (p.Glu181Val)

Genes: PKDCC (protein kinase domain containing, cytoplasmic; plus strand), LOC129933566 (ATAC-STARR-seq lymphoblastoid active region 15635; plus strand). Cytogenetic location: 2p21.
Variant type: single nucleotide variant.
Coding change: c.542A>T on transcript NM_138370.3 (MANE Select); coding-DNA position 542, A replaced by T.
Protein change: p.Glu181Val; replaces glutamic acid 181 with valine.
Molecular consequence: missense variant.
Genome position (GRCh38, 1-based): chr2:42,048,741, A>T. VCF-style: chr2-42048741-A-T. GRCh37 (hg19) VCF-style: chr2-42275881-A-T.
Other names: c.542A>T (NM_138370.2); short protein forms E181V.
Identifiers: ClinVar variation 1466123 (VCV001466123.5), dbSNP rs768951954, ClinGen allele CA1627918.

ClinVar aggregate classification (germline): Uncertain significance. Review status: criteria provided, multiple submitters, no conflicts (2 of 4 stars). 2 submissions from 2 submitters: Uncertain significance (2). Last evaluated 2024-01-22.

Conditions:
Inborn genetic diseases. Identifiers: MedGen C0950123, MeSH D030342.

Allele frequency attached by ClinVar (database versions not stated): gnomAD 0.00005 and 0.00006; gnomAD exomes 0.00006 and 0.00008; TOPMed 0.00006; ExAC 0.00018.
gnomAD v4.1: 90 of 1,577,770 alleles (0.0057%); highest among the groups gnomAD compares: Non-Finnish European, 0.0074%; no homozygotes.

Submissions (2):

Labcorp Genetics (formerly Invitae), Labcorp
Classification: Uncertain significance. Last evaluated: 2024-01-22. Review status: criteria provided, single submitter. Criteria: Invitae Variant Classification Sherloc (09022015). Collection method: clinical testing. Allele origin: germline.
Comment: This sequence change replaces glutamic acid, which is acidic and polar, with valine, which is neutral and non-polar, at codon 181 of the PKDCC protein (p.Glu181Val). This variant is present in population databases (rs768951954, gnomAD 0.01%). This variant has not been reported in the literature in individuals affected with PKDCC-related conditions. ClinVar contains an entry for this variant (Variation ID: 1466123). An algorithm developed to predict the effect of missense changes on protein structure and function (PolyPhen-2) suggests that this variant¬†is likely to be tolerated. In summary, the available evidence is currently insufficient to determine the role of this variant in disease. Therefore, it has been classified as a Variant of Uncertain Significance.

Ambry Genetics
Classification: Uncertain significance for Inborn genetic diseases. Last evaluated: 2021-06-11. Review status: criteria provided, single submitter. Criteria: Ambry Variant Classification Scheme 2023. Collection method: clinical testing. Allele origin: germline.